The following is an entry in ClinVar:

ClinVar aggregate classification (germline): Uncertain significance. Review status: criteria provided, multiple submitters, no conflicts (2 of 4 stars). 2 submissions from 2 submitters: Uncertain significance (2). Last evaluated 2023-09-20.

Allele frequency attached by ClinVar (database versions not stated): gnomAD exomes below 0.00001; TOPMed 0.00001.

Submissions (2):

Ambry Genetics
Classification: Uncertain significance. Last evaluated: 2023-09-20. Review status: criteria provided, single submitter. Criteria: Ambry Variant Classification Scheme 2023. Collection method: clinical testing. Allele origin: germline.

Labcorp Genetics (formerly Invitae), Labcorp
Classification: Uncertain significance. Last evaluated: 2023-03-31. Review status: criteria provided, single submitter. Criteria: Invitae Variant Classification Sherloc (09022015). Collection method: clinical testing. Allele origin: germline.
Comment: An algorithm developed to predict the effect of missense changes on protein structure and function (PolyPhen-2) suggests that this variant is likely to be disruptive. In summary, the available evidence is currently insufficient to determine the role of this variant in disease. Therefore, it has been classified as a Variant of Uncertain Significance. ClinVar contains an entry for this variant (Variation ID: 1477588). This sequence change replaces glycine, which is neutral and non-polar, with serine, which is neutral and polar, at codon 92 of the ZNF513 protein (p.Gly92Ser). This variant is not present in population databases (gnomAD no frequency). This variant has not been reported in the literature in individuals affected with ZNF513-related conditions.

NM_144631.6(ZNF513):c.274G>A (p.Gly92Ser)

Gene: ZNF513 (zinc finger protein 513; minus strand). Cytogenetic location: 2p23.3.
Variant type: single nucleotide variant.
Coding change: c.274G>A on transcript NM_144631.6 (MANE Select); coding-DNA position 274, G replaced by A.
Protein change: p.Gly92Ser; replaces glycine 92 with serine.
Molecular consequence: missense variant.
Genome position (GRCh38, 1-based): chr2:27,378,992, C>T on the plus strand (G>A on the coding strand, the complement: ZNF513 is on the minus strand). VCF-style: chr2-27378992-C-T. GRCh37 (hg19) VCF-style: chr2-27601859-C-T.
Other names: c.274G>A (NM_144631.5); c.88G>A, p.Gly30Ser (NM_001201459.2); short protein forms G30S, G92S.
Identifiers: ClinVar variation 1477588 (VCV001477588.7), dbSNP rs1048092784, ClinGen allele CA44529675.